The following is an entry in ClinVar:

ClinVar aggregate classification (germline): Likely pathogenic (1 of 4 stars; one submission).

Submission:

Labcorp Genetics (formerly Invitae), Labcorp
Classification: Likely pathogenic. Last evaluated: 2025-12-31. Review status: criteria provided, single submitter. Criteria: Invitae Variant Classification Sherloc (09022015). Collection method: clinical testing. Allele origin: germline.
Comment: This sequence change affects a donor splice site in intron 2 of the TBCK gene. It is expected to disrupt RNA splicing. Variants that disrupt the donor or acceptor splice site typically lead to a loss of protein function (PMID: 16199547), and loss-of-function variants in TBCK are known to be pathogenic (PMID: 27040692, 30103036). This variant is not present in population databases (gnomAD no frequency). Disruption of this splice site has been observed in individual(s) with clinical features of TBCK-related conditions (PMID: 28097321). Algorithms developed to predict the effect of sequence changes on RNA splicing suggest that this variant may disrupt the consensus splice site. In summary, the currently available evidence indicates that the variant is pathogenic, but additional data are needed to prove that conclusively. Therefore, this variant has been classified as Likely Pathogenic.

Literature cited by the submitters: PubMed 16199547; PubMed 27040692; PubMed 30103036; PubMed 28097321.

NM_001163435.3(TBCK):c.193+1G>A

Gene: TBCK (TBC1 domain containing kinase; minus strand). Cytogenetic location: 4q24.
Variant type: single nucleotide variant.
Coding change: c.193+1G>A on transcript NM_001163435.3 (MANE Select); the canonical splice donor site of the intron after coding-DNA position 193, G replaced by A.
Molecular consequence: splice donor variant.
Genome position (GRCh38, 1-based): chr4:106,308,767, C>T on the plus strand (G>A on the coding strand, the complement: TBCK is on the minus strand). VCF-style: chr4-106308767-C-T. GRCh37 (hg19) VCF-style: chr4-107229924-C-T.
Other names: c.193+1G>A (NM_001163436.4, NM_033115.5, NM_001163437.3); c.-425+1G>A (NM_001290768.2).
Identifiers: ClinVar variation 4727454 (VCV004727454.1).